The following is an entry in ClinVar:

NM_017999.5(RNF31):c.1336C>T (p.Arg446Trp)

Gene: RNF31 (ring finger protein 31; plus strand). Cytogenetic location: 14q12.
Variant type: single nucleotide variant.
Coding change: c.1336C>T on transcript NM_017999.5 (MANE Select); coding-DNA position 1336, C replaced by T.
Protein change: p.Arg446Trp; replaces arginine 446 with tryptophan.
Molecular consequence: missense variant.
Genome position (GRCh38, 1-based): chr14:24,150,736, C>T. VCF-style: chr14-24150736-C-T. GRCh37 (hg19) VCF-style: chr14-24619945-C-T.
Other names: c.1336C>T (NM_017999.4); c.883C>T, p.Arg295Trp (NM_001310332.2); short protein forms R295W, R446W.
Identifiers: ClinVar variation 1468712 (VCV001468712.9), dbSNP rs552759870, ClinGen allele CA7125744.
Genomic context (GRCh38, chr14:24,150,736, plus strand): 5'-GGCTGGGTGTGTGTTATGTGCAACCGGACTAGTAGCCCCATTCCAGCACAACATGCCCCC[C>T]GGCCCTATGCCAGCTCTTTGGAAAAGGGACCCCCCAAGCCTGGGCCCCCACGACGCCTTA-3'
Protein context (NP_060469.4, residues 436-456): SSPIPAQHAP[Arg446Trp]PYASSLEKGP

ClinVar aggregate classification (germline): Uncertain significance. Review status: criteria provided, multiple submitters, no conflicts (2 of 4 stars). 2 submissions from 2 submitters: Uncertain significance (2). Last evaluated 2025-03-13.

Allele frequency attached by ClinVar (database versions not stated): ExAC 0.00003; gnomAD exomes 0.00003 and 0.00004; gnomAD 0.00004 and 0.00005; TOPMed 0.00004; 1000 Genomes Project 30x 0.00016; 1000 Genomes Project 0.00020.
gnomAD v4.1: 54 of 1,613,618 alleles (0.0033%); highest among the groups gnomAD compares: African/African-American, 0.011%; no homozygotes.

Submissions (2):

Labcorp Genetics (formerly Invitae), Labcorp
Classification: Uncertain significance. Last evaluated: 2025-03-13. Review status: criteria provided, single submitter. Criteria: Invitae Variant Classification Sherloc (09022015). Collection method: clinical testing. Allele origin: germline.
Comment: This sequence change replaces arginine, which is basic and polar, with tryptophan, which is neutral and slightly polar, at codon 446 of the RNF31 protein (p.Arg446Trp). This variant is present in population databases (rs552759870, gnomAD 0.008%). This variant has not been reported in the literature in individuals affected with RNF31-related conditions. ClinVar contains an entry for this variant (Variation ID: 1468712). An algorithm developed to predict the effect of missense changes on protein structure and function outputs the following: PolyPhen-2: "Benign". The tryptophan amino acid residue is found in multiple mammalian species, which suggests that this missense change does not adversely affect protein function. In summary, the available evidence is currently insufficient to determine the role of this variant in disease. Therefore, it has been classified as a Variant of Uncertain Significance.

Ambry Genetics
Classification: Uncertain significance. Last evaluated: 2021-08-09. Review status: criteria provided, single submitter. Criteria: Ambry Variant Classification Scheme 2023. Collection method: clinical testing. Allele origin: germline.